The following is an entry in ClinVar:

ClinVar aggregate classification (germline): Uncertain significance (1 of 4 stars; one submission).

Conditions:
Vici syndrome (VICIS). Identifiers: Orphanet 1493, MedGen C1855772, MONDO:0009452, OMIM 242840.

Submission:

Labcorp Genetics (formerly Invitae), Labcorp
Classification: Uncertain significance for Vici syndrome. Last evaluated: 2022-04-11. Review status: criteria provided, single submitter. Criteria: Invitae Variant Classification Sherloc (09022015). Collection method: clinical testing. Allele origin: germline.
Comment: Algorithms developed to predict the effect of missense changes on protein structure and function are either unavailable or do not agree on the potential impact of this missense change (SIFT: "Deleterious"; PolyPhen-2: "Probably Damaging"; Align-GVGD: "Class C0"). This variant has not been reported in the literature in individuals affected with EPG5-related conditions. This variant is not present in population databases (gnomAD no frequency). In summary, the available evidence is currently insufficient to determine the role of this variant in disease. Therefore, it has been classified as a Variant of Uncertain Significance. This sequence change replaces leucine, which is neutral and non-polar, with proline, which is neutral and non-polar, at codon 1089 of the EPG5 protein (p.Leu1089Pro).

NM_020964.3(EPG5):c.3266T>C (p.Leu1089Pro)

Gene: EPG5 (ectopic P-granules 5 autophagy tethering factor; minus strand). Cytogenetic location: 18q21.1.
Variant type: single nucleotide variant.
Coding change: c.3266T>C on transcript NM_020964.3 (MANE Select); coding-DNA position 3266, T replaced by C.
Protein change: p.Leu1089Pro; replaces leucine 1089 with proline.
Molecular consequence: missense variant.
Genome position (GRCh38, 1-based): chr18:45,916,556, A>G on the plus strand (T>C on the coding strand, the complement: EPG5 is on the minus strand). VCF-style: chr18-45916556-A-G. GRCh37 (hg19) VCF-style: chr18-43496521-A-G.
Other names: c.3266T>C, p.Leu1089Pro (NM_001410858.1, NM_001410859.1); short protein forms L1089P.
Identifiers: ClinVar variation 2125005 (VCV002125005.4), dbSNP rs2511826554, ClinGen allele CA402343253.